The following is an entry in ClinVar:

NM_001134831.2(AHI1):c.2852C>T (p.Thr951Ile)

Gene: AHI1 (Abelson helper integration site 1; minus strand). Cytogenetic location: 6q23.3.
Variant type: single nucleotide variant.
Coding change: c.2852C>T on transcript NM_001134831.2 (MANE Select); coding-DNA position 2852, C replaced by T.
Protein change: p.Thr951Ile; replaces threonine 951 with isoleucine.
Molecular consequence: missense variant.
Genome position (GRCh38, 1-based): chr6:135,411,457, G>A on the plus strand (C>T on the coding strand, the complement: AHI1 is on the minus strand). VCF-style: chr6-135411457-G-A. GRCh37 (hg19) VCF-style: chr6-135732595-G-A.
Other names: c.2852C>T, p.Thr951Ile (NM_001134830.2, NM_001134832.2, NM_001350503.2 and 2 more transcripts); short protein forms T951I.
Identifiers: ClinVar variation 839841 (VCV000839841.7), dbSNP rs1562703260, ClinGen allele CA365846064.

ClinVar aggregate classification (germline): Uncertain significance (1 of 4 stars; one submission).

Conditions:
Joubert syndrome. Also called: CEREBELLOPARENCHYMAL DISORDER IV; JOUBERT-BOLTSHAUSER SYNDROME; Familial aplasia of the vermis. Identifiers: Orphanet 475, MedGen C5979921, MONDO:0018772.

Allele frequency attached by ClinVar (database versions not stated): gnomAD exomes below 0.00001.
gnomAD v4.1: 1 of 1,613,620 alleles (0.000062%); highest among the groups gnomAD compares: Non-Finnish European, 0.000085%; no homozygotes.

Submission:

Labcorp Genetics (formerly Invitae), Labcorp
Classification: Uncertain significance for Joubert syndrome. Last evaluated: 2021-09-02. Review status: criteria provided, single submitter. Criteria: Invitae Variant Classification Sherloc (09022015). Collection method: clinical testing. Allele origin: germline.
Comment: This sequence change replaces threonine with isoleucine at codon 951 of the AHI1 protein (p.Thr951Ile). The threonine residue is moderately conserved and there is a moderate physicochemical difference between threonine and isoleucine. This variant is not present in population databases (ExAC no frequency). This variant has not been reported in the literature in individuals affected with AHI1-related conditions. Algorithms developed to predict the effect of missense changes on protein structure and function output the following: SIFT: "Deleterious"; PolyPhen-2: "Benign"; Align-GVGD: "Class C0". The isoleucine amino acid residue is found in multiple mammalian species, which suggests that this missense change does not adversely affect protein function. In summary, the available evidence is currently insufficient to determine the role of this variant in disease. Therefore, it has been classified as a Variant of Uncertain Significance.